The following is an entry in ClinVar:

ClinVar aggregate classification (germline): Uncertain significance (1 of 4 stars; one submission).

Conditions:
Hereditary cancer-predisposing syndrome. Also called: Neoplastic Syndromes, Hereditary; Tumor predisposition; Hereditary Cancer Syndrome; Hereditary neoplastic syndrome. Identifiers: Orphanet 140162, MedGen C0027672, MeSH D009386, MONDO:0015356.

Submission:

Ambry Genetics
Classification: Uncertain significance for Hereditary cancer-predisposing syndrome. Last evaluated: 2025-08-08. Review status: criteria provided, single submitter. Criteria: Ambry Variant Classification Scheme 2023. Collection method: clinical testing. Allele origin: germline.
Comment: The p.M94R variant (also known as c.281T>G), located in coding exon 3 of the ATM gene, results from a T to G substitution at nucleotide position 281. The methionine at codon 94 is replaced by arginine, an amino acid with similar properties. This amino acid position is conserved. In addition, this alteration is predicted to be deleterious by in silico analysis. Based on the available evidence, the clinical significance of this variant remains unclear.

NM_000051.4(ATM):c.281T>G (p.Met94Arg)

Gene: ATM (ATM serine/threonine kinase; plus strand). Cytogenetic location: 11q22.3.
Variant type: single nucleotide variant.
Coding change: c.281T>G on transcript NM_000051.4 (MANE Select); coding-DNA position 281, T replaced by G.
Protein change: p.Met94Arg; replaces methionine 94 with arginine.
Molecular consequence: missense variant.
Genome position (GRCh38, 1-based): chr11:108,229,273, T>G. VCF-style: chr11-108229273-T-G. GRCh37 (hg19) VCF-style: chr11-108100000-T-G.
Other names: c.281T>G, p.Met94Arg (NM_001351834.2, NM_001351835.2, NM_001351836.2); short protein forms M94R.
Identifiers: ClinVar variation 4169938 (VCV004169938.1).